The following is an entry in ClinVar:

ClinVar aggregate classification (germline): Conflicting classifications of pathogenicity. Review status: criteria provided, conflicting classifications (1 of 4 stars). 2 submissions from 2 submitters: Uncertain significance (1); Likely benign (1). Last evaluated 2023-03-23.

Conditions:
Hereditary breast ovarian cancer syndrome. Also called: Hereditary breast and ovarian cancer; Hereditary breast and ovarian cancer syndrome; Breast and ovarian cancer; BRCA1- and BRCA2-Associated Hereditary Breast and Ovarian Cancer; Hereditary breast and/or ovarian cancer syndrome; Hereditary breast and ovarian cancer syndrome (HBOC). Identifiers: Orphanet 145, MedGen C0677776, MeSH D061325, MONDO:0003582. Disease mechanism: loss of function.
Hereditary cancer-predisposing syndrome. Also called: Hereditary Cancer Syndrome; Tumor predisposition; Neoplastic Syndromes, Hereditary; Hereditary neoplastic syndrome. Identifiers: Orphanet 140162, MedGen C0027672, MeSH D009386, MONDO:0015356.

Submissions (2):

University of Washington Department of Laboratory Medicine, University of Washington
Classification: Likely benign for Hereditary cancer-predisposing syndrome. Last evaluated: 2023-03-23. Review status: criteria provided, single submitter. Criteria: Dines et al. (Genet Med. 2020). Collection method: curation. Allele origin: germline.
Comment: Missense variant in a coldspot region where missense variants are very unlikely to be pathogenic (PMID:31911673).

BRCA2 exon 11 coldspot. Reclassification based on statistical prior probability.

Labcorp Genetics (formerly Invitae), Labcorp
Classification: Uncertain significance for Hereditary breast ovarian cancer syndrome. Last evaluated: 2022-12-31. Review status: criteria provided, single submitter. Criteria: Invitae Variant Classification Sherloc (09022015). Collection method: clinical testing. Allele origin: germline.
Comment: This sequence change replaces asparagine, which is neutral and polar, with isoleucine, which is neutral and non-polar, at codon 1973 of the BRCA2 protein (p.Asn1973Ile). This variant is not present in population databases (gnomAD no frequency). This variant has not been reported in the literature in individuals affected with BRCA2-related conditions. Advanced modeling of protein sequence and biophysical properties (such as structural, functional, and spatial information, amino acid conservation, physicochemical variation, residue mobility, and thermodynamic stability) performed at Invitae indicates that this missense variant is not expected to disrupt BRCA2 protein function. In summary, the available evidence is currently insufficient to determine the role of this variant in disease. Therefore, it has been classified as a Variant of Uncertain Significance.

NM_000059.4(BRCA2):c.5918A>T (p.Asn1973Ile)

Gene: BRCA2 (BRCA2 DNA repair associated; plus strand). Cytogenetic location: 13q13.1.
Variant type: single nucleotide variant.
Coding change: c.5918A>T on transcript NM_000059.4 (MANE Select); coding-DNA position 5918, A replaced by T.
Protein change: p.Asn1973Ile; replaces asparagine 1973 with isoleucine.
Molecular consequence: missense variant.
Genome position (GRCh38, 1-based): chr13:32,340,273, A>T. VCF-style: chr13-32340273-A-T. GRCh37 (hg19) VCF-style: chr13-32914410-A-T.
Other names: c.5918A>T, p.Asn1973Ile (NM_001406719.1, NM_001406720.1); short protein forms N1973I.
Identifiers: ClinVar variation 2103098 (VCV002103098.6), dbSNP rs2137522283, ClinGen allele CA387787528.
Genomic context (GRCh38, chr13:32,340,273, plus strand): 5'-AAACTTCAGATATATGTAAATGTAGTATAGGGAAGCTTCATAAGTCAGTCTCATCTGCAA[A>T]TACTTGTGGGATTTTTAGCACAGCAAGTGGAAAATCTGTCCAGGTATCAGATGCTTCATT-3'
Protein context (NP_000050.3, residues 1963-1983): GKLHKSVSSA[Asn1973Ile]TCGIFSTASG